The following is an entry in ClinVar:

ClinVar aggregate classification (germline): Benign/Likely benign. Review status: criteria provided, multiple submitters, no conflicts (2 of 4 stars). 5 submissions from 5 submitters: Benign (2); Likely benign (3). Last evaluated 2026-07-01.

Conditions:
Fanconi anemia (FA). Also called: Fanconi's anemia. Identifiers: Orphanet 84, MedGen C0015625, MeSH D005199, MONDO:0019391.

Allele frequency attached by ClinVar (database versions not stated): ESP Exome Variant Server 0.00024; TOPMed 0.00116; gnomAD exomes 0.00201 and 0.00422; gnomAD 0.00258 and 0.00274; 1000 Genomes Project 30x 0.00281; 1000 Genomes Project 0.00359; ExAC 0.00394.

Submissions (5):

CeGaT Center for Human Genetics Tuebingen
Classification: Likely benign. Last evaluated: 2026-07-01. Review status: criteria provided, single submitter. Criteria: CeGaT Center For Human Genetics Tuebingen Variant Classification Criteria Version 2. Collection method: clinical testing. Allele origin: germline. Affected: yes. Observed: 12 variant alleles.
Comment: FANCI: BP4

Labcorp Genetics (formerly Invitae), Labcorp
Classification: Benign for Fanconi anemia. Last evaluated: 2026-02-01. Review status: criteria provided, single submitter. Criteria: Invitae Variant Classification Sherloc (09022015). Collection method: clinical testing. Allele origin: germline.

Blueprint Genetics
Classification: Likely benign. Last evaluated: 2024-11-19. Review status: criteria provided, single submitter. Criteria: ACMG Guidelines, 2015. Collection method: clinical testing. Allele origin: germline.

Genetic Services Laboratory, University of Chicago
Classification: Benign. Last evaluated: 2018-03-16. Review status: criteria provided, single submitter. Criteria: ACMG Guidelines, 2015. Collection method: clinical testing. Allele origin: germline. Affected: no.

Center for Pediatric Genomic Medicine, Children's Mercy Hospital and Clinics
Classification: Likely benign. Last evaluated: 2017-01-11. Review status: criteria provided, single submitter. Criteria: ACMG Guidelines, 2015. Collection method: clinical testing. Allele origin: germline.
ClinVar note: Converted during submission from Likely Benign to Likely benign.

NM_001113378.2(FANCI):c.3255+6dup

Gene: FANCI (FA complementation group I; plus strand). Cytogenetic location: 15q26.1.
Variant type: Duplication.
Coding change: c.3255+6dup on transcript NM_001113378.2 (MANE Select); 6 bases into the intron after coding-DNA position 3255, one base duplicated (T; older notation c.3255+6dupT).
Molecular consequence: intron variant.
Genome position (GRCh38, 1-based): chr15:89,305,415, T duplicated. VCF-style (leftmost placement, unchanged base first): chr15-89305414-G-GT. GRCh37 (hg19) VCF-style: chr15-89848645-G-GT.
Other names: c.3075+6dup (NM_018193.3); c.3255+6dup (NM_001376911.1); c.2976+6dup (NM_001376910.1); c.3255+6dupT (NM_001113378.1).
Identifiers: ClinVar variation 238322 (VCV000238322.43), dbSNP rs878854178, ClinGen allele CA7723650.